The following is an entry in ClinVar:

ClinVar aggregate classification (germline): Likely pathogenic (1 of 4 stars; one submission).

gnomAD v4.1: 1 of 1,610,920 alleles (0.000062%); highest among the groups gnomAD compares: Non-Finnish European, 0.000085%; no homozygotes.

Submission:

Labcorp Genetics (formerly Invitae), Labcorp
Classification: Likely pathogenic. Last evaluated: 2025-06-23. Review status: criteria provided, single submitter. Criteria: Invitae Variant Classification Sherloc (09022015). Collection method: clinical testing. Allele origin: germline.
Comment: This sequence change affects an acceptor splice site in intron 39 of the ATR gene. It is expected to disrupt RNA splicing. Variants that disrupt the donor or acceptor splice site typically lead to a loss of protein function (PMID: 16199547), and loss-of-function variants in ATR are known to be pathogenic (PMID: 21228398, 23144622). This variant is not present in population databases (gnomAD no frequency). This variant has not been reported in the literature in individuals affected with ATR-related conditions. Algorithms developed to predict the effect of sequence changes on RNA splicing suggest that this variant may disrupt the consensus splice site. In summary, the currently available evidence indicates that the variant is pathogenic, but additional data are needed to prove that conclusively. Therefore, this variant has been classified as Likely Pathogenic.

Literature cited by the submitters: PubMed 16199547; PubMed 21228398; PubMed 23144622.

NM_001184.4(ATR):c.6688-2A>G

Gene: ATR (ATR checkpoint kinase; minus strand). Cytogenetic location: 3q23.
Variant type: single nucleotide variant.
Coding change: c.6688-2A>G on transcript NM_001184.4 (MANE Select); the canonical splice acceptor site of the intron before coding-DNA position 6688, A replaced by G.
Molecular consequence: splice acceptor variant.
Genome position (GRCh38, 1-based): chr3:142,466,535, T>C on the plus strand (A>G on the coding strand, the complement: ATR is on the minus strand). VCF-style: chr3-142466535-T-C. GRCh37 (hg19) VCF-style: chr3-142185377-T-C.
Other names: c.6496-2A>G (NM_001354579.2).
Identifiers: ClinVar variation 4704445 (VCV004704445.1).